The following is an entry in ClinVar:

ClinVar aggregate classification (germline): Likely benign (1 of 4 stars; one submission).

Allele frequency attached by ClinVar (database versions not stated): gnomAD exomes 0.00166; gnomAD 0.00601 and 0.00639; 1000 Genomes Project 30x 0.00703; TOPMed 0.00711; 1000 Genomes Project 0.00779.
gnomAD v4.1: 1,939 of 743,554 alleles (0.26%); highest among the groups gnomAD compares: African/African-American, 1.8%; 12 homozygotes.

Submission:

GeneDx
Classification: Likely benign. Last evaluated: 2018-06-14. Review status: criteria provided, single submitter. Criteria: GeneDx Variant Classification (06012015). Collection method: clinical testing. Allele origin: germline. Affected: yes.
Comment: This variant is considered likely benign or benign based on one or more of the following criteria: it is a conservative change, it occurs at a poorly conserved position in the protein, it is predicted to be benign by multiple in silico algorithms, and/or has population frequency not consistent with disease.

NM_201596.3(CACNB2):c.1206+150T>C

Gene: CACNB2 (calcium voltage-gated channel auxiliary subunit beta 2; plus strand). Cytogenetic location: 10p12.31.
Variant type: single nucleotide variant.
Coding change: c.1206+150T>C on transcript NM_201596.3 (MANE Select); 150 bases into the intron after coding-DNA position 1206, T replaced by C.
Molecular consequence: intron variant.
Genome position (GRCh38, 1-based): chr10:18,534,377, T>C. VCF-style: chr10-18534377-T-C. GRCh37 (hg19) VCF-style: chr10-18823306-T-C.
Other names: c.1122+150T>C (NM_201571.4); c.1008+150T>C (NM_001167945.2); c.1050+150T>C (NM_201572.4); c.1092+150T>C (NM_201593.3); c.1134+150T>C (NM_201597.3); c.1041+150T>C (NM_000724.4); c.927+150T>C (NM_001330060.2); c.1044+150T>C (NM_201590.3); and 1 more.
Identifiers: ClinVar variation 676626 (VCV000676626.1), dbSNP rs141514332, ClinGen allele CA203165594.